The following is an entry in ClinVar:

ClinVar aggregate classification (germline): Uncertain significance (1 of 4 stars; one submission).

Conditions:
Developmental and epileptic encephalopathy, 11 (DEE11). Also called: Early infantile epileptic encephalopathy 11. Identifiers: Orphanet 1934, MedGen C3150987, MONDO:0013388, OMIM 613721.

Submission:

Neuberg Centre For Genomic Medicine, NCGM
Classification: Uncertain significance for Developmental and epileptic encephalopathy, 11. Review status: criteria provided, single submitter. Criteria: ACMG Guidelines, 2015. Collection method: clinical testing. Allele origin: germline. Affected: yes.
Comment: The missense variant p.K1980E in SCN2A (NM_021007.3) has not been reported previously as a pathogenic variant nor as a benign variant, to our knowledge. The p.K1980E variant is novel (not in any individuals) in gnomAD Exomes and is novel (not in any individuals) in 1000 Genomes. The p.K1980E missense variant is predicted to be damaging by both SIFT and PolyPhen2. The lysine residue at codon 1980 of SCN2A is conserved in all mammalian species. The nucleotide c.5938 in SCN2A is predicted conserved by GERP++ and PhyloP across 100 vertebrates. For these reasons, this variant has been classified as Uncertain Significance.

NM_001040142.2(SCN2A):c.5938A>G (p.Lys1980Glu)

Gene: SCN2A (sodium voltage-gated channel alpha subunit 2; plus strand). Cytogenetic location: 2q24.3.
Variant type: single nucleotide variant.
Coding change: c.5938A>G on transcript NM_001040142.2 (MANE Select); coding-DNA position 5938, A replaced by G.
Protein change: p.Lys1980Glu; replaces lysine 1980 with glutamic acid.
Molecular consequence: missense variant.
Genome position (GRCh38, 1-based): chr2:165,389,744, A>G. VCF-style: chr2-165389744-A-G. GRCh37 (hg19) VCF-style: chr2-166246254-A-G.
Other names: c.5938A>G, p.Lys1980Glu (NM_001040143.2, NM_001371246.1, NM_001371247.1 and 1 more transcripts); short protein forms K1980E.
Identifiers: ClinVar variation 1339178 (VCV001339178.2), dbSNP rs2105404303, ClinGen allele CA349041638.
Genomic context (GRCh38, chr2:165,389,744, plus strand): 5'-CCAGAGAAAACCGATATGACGCCTTCCACCACGTCTCCACCCTCGTATGATAGTGTGACC[A>G]AACCAGAAAAAGAAAAATTTGAAAAAGACAAATCAGAAAAGGAAGACAAAGGGAAAGATA-3'
Protein context (NP_001035232.1, residues 1970-1990): TSPPSYDSVT[Lys1980Glu]PEKEKFEKDK